The following is an entry in ClinVar:

ClinVar aggregate classification (germline): Uncertain significance (1 of 4 stars; one submission).

Submission:

Labcorp Genetics (formerly Invitae), Labcorp
Classification: Uncertain significance. Last evaluated: 2024-03-20. Review status: criteria provided, single submitter. Criteria: Invitae Variant Classification Sherloc (09022015). Collection method: clinical testing. Allele origin: germline.
Comment: This sequence change replaces valine, which is neutral and non-polar, with methionine, which is neutral and non-polar, at codon 715 of the MTOR protein (p.Val715Met). This variant is not present in population databases (gnomAD no frequency). This variant has not been reported in the literature in individuals affected with MTOR-related conditions. Advanced modeling of protein sequence and biophysical properties (such as structural, functional, and spatial information, amino acid conservation, physicochemical variation, residue mobility, and thermodynamic stability) performed at Invitae indicates that this missense variant is not expected to disrupt MTOR protein function with a negative predictive value of 95%. In summary, the available evidence is currently insufficient to determine the role of this variant in disease. Therefore, it has been classified as a Variant of Uncertain Significance.

NM_004958.4(MTOR):c.2143G>A (p.Val715Met)

Gene: MTOR (mechanistic target of rapamycin kinase; minus strand). Cytogenetic location: 1p36.22.
Variant type: single nucleotide variant.
Coding change: c.2143G>A on transcript NM_004958.4 (MANE Select); coding-DNA position 2143, G replaced by A.
Protein change: p.Val715Met; replaces valine 715 with methionine.
Molecular consequence: missense variant.
Genome position (GRCh38, 1-based): chr1:11,237,908, C>T on the plus strand (G>A on the coding strand, the complement: MTOR is on the minus strand). VCF-style: chr1-11237908-C-T. GRCh37 (hg19) VCF-style: chr1-11297965-C-T.
Other names: c.2143G>A, p.Val715Met (NM_001386500.1); c.895G>A, p.Val299Met (NM_001386501.1); short protein forms V715M, V299M.
Identifiers: ClinVar variation 3668915 (VCV003668915.2).